The following is an entry in ClinVar:

ClinVar aggregate classification (germline): Uncertain significance (1 of 4 stars; one submission).

Conditions:
KSR2-related disorder. Also called: KSR2-related condition.

Submission:

PreventionGenetics, part of Exact Sciences
Classification: Uncertain significance for KSR2-related condition. Last evaluated: 2026-05-13. Review status: criteria provided, single submitter. Criteria: ACMG Guidelines, 2015. Collection method: clinical testing. Allele origin: germline.
Comment: The KSR2 c.128C>A variant is predicted to result in the amino acid substitution p.Ser43Tyr. To our knowledge, this variant has not been reported in the literature or in a large population database (gnomAD), indicating this variant is rare. At this time, the clinical significance of this variant is uncertain due to the absence of conclusive functional and genetic evidence.

NM_173598.6(KSR2):c.215C>A (p.Ser72Tyr)

Gene: KSR2 (kinase suppressor of ras 2; minus strand). Cytogenetic location: 12q24.23.
Variant type: single nucleotide variant.
Coding change: c.215C>A on transcript NM_173598.6 (MANE Select); coding-DNA position 215, C replaced by A.
Protein change: p.Ser72Tyr; replaces serine 72 with tyrosine.
Molecular consequence: missense variant.
Genome position (GRCh38, 1-based): chr12:117,860,397, G>T on the plus strand (C>A on the coding strand, the complement: KSR2 is on the minus strand). VCF-style: chr12-117860397-G-T. GRCh37 (hg19) VCF-style: chr12-118298202-G-T.
Other names: short protein forms S72Y.
Identifiers: ClinVar variation 4993687 (VCV004993687.1).